The following is an entry in ClinVar:

NM_000465.4(BARD1):c.1970del (p.Pro657fs)

Gene: BARD1 (BRCA1 associated RING domain 1; minus strand). Cytogenetic location: 2q35.
Variant type: Deletion.
Coding change: c.1970del on transcript NM_000465.4 (MANE Select); coding-DNA position 1970, one base deleted (C; older notation c.1970delC).
Protein change: p.Pro657fs; shifts the reading frame from proline 657.
Molecular consequence: frameshift variant. On other transcripts: non-coding transcript variant (3).
Genome position (GRCh38, 1-based): chr2:214,730,442, G deleted on the plus strand (C on the coding strand, the reverse complement: BARD1 is on the minus strand); the first of 2 consecutive G bases (chr2:214,730,442-214,730,443); deleting either gives the same sequence. VCF-style (leftmost placement, unchanged base first): chr2-214730441-TG-T. GRCh37 (hg19) VCF-style: chr2-215595165-TG-T.
Other names: c.1913del, p.Pro638fs (NM_001282543.2); c.617del, p.Pro206fs (NM_001282545.2); c.560del, p.Pro187fs (NM_001282548.2); c.431del, p.Pro144fs (NM_001282549.2); short protein forms P144fs, P657fs, P187fs, P206fs, P638fs.
Identifiers: ClinVar variation 187445 (VCV000187445.18), dbSNP rs786203739, ClinGen allele CA197666.

ClinVar aggregate classification (germline): Pathogenic/Likely pathogenic. Review status: criteria provided, multiple submitters, no conflicts (2 of 4 stars). 3 submissions from 3 submitters: Pathogenic (2); Likely pathogenic (1). Last evaluated 2024-05-24.

Conditions:
Hereditary cancer-predisposing syndrome. Also called: Neoplastic Syndromes, Hereditary; Tumor predisposition; Hereditary Cancer Syndrome; Hereditary neoplastic syndrome. Identifiers: Orphanet 140162, MedGen C0027672, MeSH D009386, MONDO:0015356.
Familial cancer of breast. Also called: BREAST CANCER, FAMILIAL; Hereditary breast cancer; hereditary breast carcinoma. Identifiers: Orphanet 227535, MedGen C0346153, MONDO:0016419, OMIM 114480. Disease mechanism: loss of function.

Submissions (3):

Ambry Genetics
Classification: Pathogenic for Hereditary cancer-predisposing syndrome. Last evaluated: 2024-05-24. Review status: criteria provided, single submitter. Criteria: Ambry Variant Classification Scheme 2023. Collection method: clinical testing. Allele origin: germline.
Comment: The c.1970delC pathogenic mutation, located in coding exon 10 of the BARD1 gene, results from a deletion of one nucleotide at nucleotide position 1970, causing a translational frameshift with a predicted alternate stop codon (p.P657Hfs*57). This alteration occurs at the 3' terminus of theBARD1 gene, is not expected to trigger nonsense-mediated mRNA decay, and only impacts the last 16% of the protein. However, premature stop codons are typically deleterious in nature and a significant portion of the protein is affected (Ambry internal data).This variant is considered to be rare based on population cohorts in the Genome Aggregation Database (gnomAD). Based on the supporting evidence, this variant is interpreted as a disease-causing mutation.

Myriad Genetics, Inc.
Classification: Pathogenic for Familial cancer of breast. Last evaluated: 2023-05-25. Review status: criteria provided, single submitter. Criteria: Myriad Autosomal Dominant, Autosomal Recessive and X-Linked Classification Criteria (2023). Collection method: clinical testing. Allele origin: unknown.
Comment: This variant is considered pathogenic. This variant creates a frameshift predicted to result in premature protein truncation.

Labcorp Genetics (formerly Invitae), Labcorp
Classification: Likely pathogenic for Familial cancer of breast. Last evaluated: 2020-01-14. Review status: criteria provided, single submitter. Criteria: Invitae Variant Classification Sherloc (09022015). Collection method: clinical testing. Allele origin: germline.
Comment: This variant is not present in population databases (ExAC no frequency). In summary, the currently available evidence indicates that the variant is pathogenic, but additional data are needed to prove that conclusively. Therefore, this variant has been classified as Likely Pathogenic. This variant disrupts the C-terminal BRCT domain of the BARD1 protein, which is required for chromosome stability and homology-directed repair (PMID: 26315354, 17848578). While functional studies have not been performed to directly test the effect of this variant on BARD1 protein function, this suggests that disruption of this region of the protein is causative of disease. This variant has not been reported in the literature in individuals with BARD1-related conditions. ClinVar contains an entry for this variant (Variation ID: 187445). This sequence change results in a premature translational stop signal in the BARD1 gene (p.Pro657Hisfs*57). While this is not anticipated to result in nonsense mediated decay, it is expected to disrupt the last 121 amino acids of the BARD1 protein.

Literature cited by the submitters: PubMed 26315354 (cited by Labcorp Genetics (formerly Invitae), Labcorp); PubMed 17848578 (cited by Labcorp Genetics (formerly Invitae), Labcorp).